The following is an entry in ClinVar:

ClinVar aggregate classification (germline): Uncertain significance. Review status: criteria provided, multiple submitters, no conflicts (2 of 4 stars). 2 submissions from 2 submitters: Uncertain significance (2). Last evaluated 2025-05-16.

Allele frequency attached by ClinVar (database versions not stated): gnomAD 0.00001; gnomAD exomes 0.00001; ExAC 0.00002.
gnomAD v4.1: 18 of 1,612,012 alleles (0.0011%); highest among the groups gnomAD compares: South Asian, 0.011%; no homozygotes.

Submissions (2):

Ambry Genetics
Classification: Uncertain significance. Last evaluated: 2025-05-16. Review status: criteria provided, single submitter. Criteria: Ambry Variant Classification Scheme 2023. Collection method: clinical testing. Allele origin: germline.

Labcorp Genetics (formerly Invitae), Labcorp
Classification: Uncertain significance. Last evaluated: 2023-11-01. Review status: criteria provided, single submitter. Criteria: Invitae Variant Classification Sherloc (09022015). Collection method: clinical testing. Allele origin: germline.
Comment: This sequence change replaces arginine, which is basic and polar, with glutamine, which is neutral and polar, at codon 94 of the EXOSC8 protein (p.Arg94Gln). This variant is present in population databases (rs760488948, gnomAD 0.02%). This variant has not been reported in the literature in individuals affected with EXOSC8-related conditions. ClinVar contains an entry for this variant (Variation ID: 2022521). Advanced modeling of protein sequence and biophysical properties (such as structural, functional, and spatial information, amino acid conservation, physicochemical variation, residue mobility, and thermodynamic stability) has been performed at Invitae for this missense variant, however the output from this modeling did not meet the statistical confidence thresholds required to predict the impact of this variant on EXOSC8 protein function. In summary, the available evidence is currently insufficient to determine the role of this variant in disease. Therefore, it has been classified as a Variant of Uncertain Significance.

NM_181503.3(EXOSC8):c.281G>A (p.Arg94Gln)

Gene: EXOSC8 (exosome component 8; plus strand). Cytogenetic location: 13q13.3.
Variant type: single nucleotide variant.
Coding change: c.281G>A on transcript NM_181503.3 (MANE Select); coding-DNA position 281, G replaced by A.
Protein change: p.Arg94Gln; replaces arginine 94 with glutamine.
Molecular consequence: missense variant.
Genome position (GRCh38, 1-based): chr13:37,005,962, G>A. VCF-style: chr13-37005962-G-A. GRCh37 (hg19) VCF-style: chr13-37580099-G-A.
Other names: c.281G>A (NM_181503.2); short protein forms R94Q.
Identifiers: ClinVar variation 2022521 (VCV002022521.5), dbSNP rs760488948, ClinGen allele CA6951184.